The following is an entry in ClinVar:

NM_001164508.2(NEB):c.12248G>A (p.Arg4083His)

Gene: NEB (nebulin; minus strand). Cytogenetic location: 2q23.3.
Variant type: single nucleotide variant.
Coding change: c.12248G>A on transcript NM_001164508.2 (MANE Select); coding-DNA position 12248, G replaced by A.
Protein change: p.Arg4083His; replaces arginine 4083 with histidine.
Molecular consequence: missense variant.
Genome position (GRCh38, 1-based): chr2:151,609,891, C>T on the plus strand (G>A on the coding strand, the complement: NEB is on the minus strand). VCF-style: chr2-151609891-C-T. GRCh37 (hg19) VCF-style: chr2-152466405-C-T.
Other names: c.12248G>A, p.Arg4083His (NM_001164507.2, NM_001271208.2); c.11519G>A, p.Arg3840His (NM_004543.5); c.11519G>A (NM_004543.4); short protein forms R4083H, R3840H.
Identifiers: ClinVar variation 639164 (VCV000639164.9), dbSNP rs376019368, ClinGen allele CA1908568.

ClinVar aggregate classification (germline): Uncertain significance. Review status: criteria provided, multiple submitters, no conflicts (2 of 4 stars). 4 submissions from 4 submitters: Uncertain significance (2). 2 of the submissions do not count toward it. Last evaluated 2024-04-30.

Conditions:
Inborn genetic diseases. Identifiers: MedGen C0950123, MeSH D030342.
Nemaline myopathy 2 (NEM2). Also called: Nemaline myopathy 2, autosomal recessive. Identifiers: MedGen C1850569, MONDO:0009725, OMIM 256030.

Allele frequency attached by ClinVar (database versions not stated): TOPMed 0.00002; gnomAD 0.00003.
gnomAD v4.1: 34 of 1,613,378 alleles (0.0021%); highest among the groups gnomAD compares: Non-Finnish European, 0.0025%; no homozygotes.

Submissions (4):

Ambry Genetics
Classification: Uncertain significance for Inborn genetic diseases. Last evaluated: 2024-04-30. Review status: criteria provided, single submitter. Criteria: Ambry Variant Classification Scheme 2023. Collection method: clinical testing. Allele origin: germline.

Labcorp Genetics (formerly Invitae), Labcorp
Classification: Uncertain significance for Nemaline myopathy 2. Last evaluated: 2022-08-23. Review status: criteria provided, single submitter. Criteria: Invitae Variant Classification Sherloc (09022015). Collection method: clinical testing. Allele origin: germline.
Comment: This sequence change replaces arginine, which is basic and polar, with histidine, which is basic and polar, at codon 4083 of the NEB protein (p.Arg4083His). This variant is present in population databases (rs376019368, gnomAD 0.003%). This variant has not been reported in the literature in individuals affected with NEB-related conditions. ClinVar contains an entry for this variant (Variation ID: 639164). Algorithms developed to predict the effect of missense changes on protein structure and function are either unavailable or do not agree on the potential impact of this missense change (SIFT: "Deleterious"; PolyPhen-2: "Not Available"; Align-GVGD: "Class C0"). In summary, the available evidence is currently insufficient to determine the role of this variant in disease. Therefore, it has been classified as a Variant of Uncertain Significance.

Natera, Inc.
Classification: Uncertain significance for Nemaline myopathy type 2. Last evaluated: 2020-09-08. Review status: no assertion criteria provided. Collection method: clinical testing. Allele origin: germline. Not counted in ClinVar's aggregate classification.

Biochemical Molecular Genetic Laboratory, King Abdulaziz Medical City
Classification: Uncertain significance for Nemaline myopathy 2. Last evaluated: 2019-08-25. Review status: no assertion criteria provided. Collection method: clinical testing. Allele origin: germline. Affected: yes. Not counted in ClinVar's aggregate classification.